The following is an entry in ClinVar:

ClinVar aggregate classification (germline): Uncertain significance (1 of 4 stars; one submission).

Conditions:
Centromeric instability of chromosomes 1,9 and 16 and immunodeficiency (ICF1). Also called: CENTROMERIC INSTABILITY, IMMUNODEFICIENCY SYNDROME; IMMUNE DEFICIENCY, VARIABLE, WITH CENTROMERIC INSTABILITY OF CHROMOSOMES 1, 9, AND 16; IMMUNODEFICIENCY SYNDROME, VARIABLE; Immunodeficiency-centromeric instability-facial anomalies. Identifiers: Orphanet 2268, MedGen C0398788, MONDO:0000133.

Submission:

Labcorp Genetics (formerly Invitae), Labcorp
Classification: Uncertain significance for Centromeric instability of chromosomes 1,9 and 16 and immunodeficiency. Last evaluated: 2022-11-01. Review status: criteria provided, single submitter. Criteria: Invitae Variant Classification Sherloc (09022015). Collection method: clinical testing. Allele origin: germline.
Comment: This sequence change replaces serine, which is neutral and polar, with cysteine, which is neutral and slightly polar, at codon 237 of the DNMT3B protein (p.Ser237Cys). This variant is not present in population databases (gnomAD no frequency). This variant has not been reported in the literature in individuals affected with DNMT3B-related conditions. ClinVar contains an entry for this variant (Variation ID: 941131). Advanced modeling of protein sequence and biophysical properties (such as structural, functional, and spatial information, amino acid conservation, physicochemical variation, residue mobility, and thermodynamic stability) performed at Invitae indicates that this missense variant is not expected to disrupt DNMT3B protein function. In summary, the available evidence is currently insufficient to determine the role of this variant in disease. Therefore, it has been classified as a Variant of Uncertain Significance.

NM_006892.4(DNMT3B):c.710C>G (p.Ser237Cys)

Gene: DNMT3B (DNA methyltransferase 3 beta; plus strand). Cytogenetic location: 20q11.21.
Variant type: single nucleotide variant.
Coding change: c.710C>G on transcript NM_006892.4 (MANE Select); coding-DNA position 710, C replaced by G.
Protein change: p.Ser237Cys; replaces serine 237 with cysteine.
Molecular consequence: missense variant.
Genome position (GRCh38, 1-based): chr20:32,788,909, C>G. VCF-style: chr20-32788909-C-G. GRCh37 (hg19) VCF-style: chr20-31376715-C-G.
Other names: c.584C>G, p.Ser195Cys (NM_001207055.2); c.482C>G, p.Ser161Cys (NM_001207056.2); c.710C>G, p.Ser237Cys (NM_175848.2, NM_175849.2); c.746C>G, p.Ser249Cys (NM_175850.3); short protein forms S195C, S161C, S237C, S249C.
Identifiers: ClinVar variation 941131 (VCV000941131.9), dbSNP rs964977606, ClinGen allele CA408588017.
Genomic context (GRCh38, chr20:32,788,909, plus strand): 5'-TCCAGGATGGGAAGGAGTTTGGAATAGGGGACCTCGTGTGGGGAAAGATCAAGGGCTTCT[C>G]CTGGTGGCCCGCCATGGTGGTGTCTTGGAAGGCCACCTCCAAGCGACAGGCTATGTCTGG-3'
Protein context (NP_008823.1, residues 227-247): DLVWGKIKGF[Ser237Cys]WWPAMVVSWK